The following is an entry in ClinVar:

NM_005732.4(RAD50):c.389G>A (p.Ser130Asn)

Gene: RAD50 (RAD50 double strand break repair protein; plus strand). Cytogenetic location: 5q31.1.
Variant type: single nucleotide variant.
Coding change: c.389G>A on transcript NM_005732.4 (MANE Select); coding-DNA position 389, G replaced by A.
Protein change: p.Ser130Asn; replaces serine 130 with asparagine.
Molecular consequence: missense variant.
Genome position (GRCh38, 1-based): chr5:132,579,340, G>A. VCF-style: chr5-132579340-G-A. GRCh37 (hg19) VCF-style: chr5-131915032-G-A.
Other names: short protein forms S130N.
Identifiers: ClinVar variation 2697544 (VCV002697544.3), dbSNP rs1561635832, ClinGen allele CA360933489.

ClinVar aggregate classification (germline): Uncertain significance (1 of 4 stars; one submission).

Conditions:
Hereditary cancer-predisposing syndrome. Also called: Neoplastic Syndromes, Hereditary; Tumor predisposition; Hereditary neoplastic syndrome; Hereditary Cancer Syndrome. Identifiers: Orphanet 140162, MedGen C0027672, MeSH D009386, MONDO:0015356.

Submission:

Labcorp Genetics (formerly Invitae), Labcorp
Classification: Uncertain significance for Hereditary cancer-predisposing syndrome. Last evaluated: 2023-06-07. Review status: criteria provided, single submitter. Criteria: Invitae Variant Classification Sherloc (09022015). Collection method: clinical testing. Allele origin: germline.
Comment: This variant is not present in population databases (gnomAD no frequency). In summary, the available evidence is currently insufficient to determine the role of this variant in disease. Therefore, it has been classified as a Variant of Uncertain Significance. Advanced modeling of protein sequence and biophysical properties (such as structural, functional, and spatial information, amino acid conservation, physicochemical variation, residue mobility, and thermodynamic stability) has been performed at Invitae for this missense variant, however the output from this modeling did not meet the statistical confidence thresholds required to predict the impact of this variant on RAD50 protein function. This variant has not been reported in the literature in individuals affected with RAD50-related conditions. This sequence change replaces serine, which is neutral and polar, with asparagine, which is neutral and polar, at codon 130 of the RAD50 protein (p.Ser130Asn).